The following is an entry in ClinVar:

ClinVar aggregate classification (germline): Pathogenic (1 of 4 stars; one submission).

Allele frequency attached by ClinVar (database versions not stated): gnomAD exomes below 0.00001.

Submission:

Labcorp Genetics (formerly Invitae), Labcorp
Classification: Pathogenic. Last evaluated: 2023-10-28. Review status: criteria provided, single submitter. Criteria: Invitae Variant Classification Sherloc (09022015). Collection method: clinical testing. Allele origin: germline.
Comment: This sequence change creates a premature translational stop signal (p.Thr355Profs*15) in the ANO10 gene. It is expected to result in an absent or disrupted protein product. Loss-of-function variants in ANO10 are known to be pathogenic (PMID: 25089919). This variant is not present in population databases (gnomAD no frequency). This variant has not been reported in the literature in individuals affected with ANO10-related conditions. Algorithms developed to predict the effect of sequence changes on RNA splicing suggest that this variant may disrupt the consensus splice site. For these reasons, this variant has been classified as Pathogenic.

Literature cited by the submitters: PubMed 25089919.

NM_018075.5(ANO10):c.1063del (p.Thr355fs)

Gene: ANO10 (anoctamin 10; minus strand). Cytogenetic location: 3p22.1.
Variant type: Deletion.
Coding change: c.1063del on transcript NM_018075.5 (MANE Select); coding-DNA position 1063, one base deleted (A; older notation c.1063delA).
Protein change: p.Thr355fs; shifts the reading frame from threonine 355.
Molecular consequence: frameshift variant. On other transcripts: intron variant (1).
Genome position (GRCh38, 1-based): chr3:43,576,791, T deleted on the plus strand (A on the coding strand, the reverse complement: ANO10 is on the minus strand). VCF-style (leftmost placement, unchanged base first): chr3-43576790-GT-G. GRCh37 (hg19) VCF-style: chr3-43618282-GT-G.
Other names: c.1063del, p.Thr355fs (NM_001204831.3, NM_001346463.2, NM_001346464.2 and 3 more transcripts); c.865del, p.Thr289fs (NM_001204832.3, NM_001346466.2, NM_001346469.2); c.730del, p.Thr244fs (NM_001204833.3); c.593-1927del (NM_001204834.3); short protein forms T244fs, T289fs, T355fs.
Identifiers: ClinVar variation 2772348 (VCV002772348.3), dbSNP rs2529367490, ClinGen allele CA2665304689.